The following is an entry in ClinVar:

ClinVar aggregate classification (germline): Uncertain significance (0 of 4 stars; one submission).

Conditions:
TNRC6B-related disorder. Also called: TNRC6B-related condition.

gnomAD v4.1: 3 of 1,613,920 alleles (0.00019%); highest among the groups gnomAD compares: Middle Eastern, 0.016%; no homozygotes.

Submission:

PreventionGenetics, part of Exact Sciences
Classification: Uncertain significance for TNRC6B-related condition. Last evaluated: 2024-07-12. Review status: no assertion criteria provided. Collection method: clinical testing. Allele origin: germline.
Comment: The TNRC6B c.1049T>C variant is predicted to result in the amino acid substitution p.Met350Thr. To our knowledge, this variant has not been reported in the literature. This variant is present in 1 out of ~249,000 alleles in the gnomAD database. At this time, the clinical significance of this variant is uncertain due to the absence of conclusive functional and genetic evidence.

NM_001162501.2(TNRC6B):c.1049T>C (p.Met350Thr)

Gene: TNRC6B (trinucleotide repeat containing adaptor 6B; plus strand). Cytogenetic location: 22q13.1.
Variant type: single nucleotide variant.
Coding change: c.1049T>C on transcript NM_001162501.2 (MANE Select); coding-DNA position 1049, T replaced by C.
Protein change: p.Met350Thr; replaces methionine 350 with threonine.
Molecular consequence: missense variant. On other transcripts: intron variant (1).
Genome position (GRCh38, 1-based): chr22:40,265,279, T>C. VCF-style: chr22-40265279-T-C. GRCh37 (hg19) VCF-style: chr22-40661283-T-C.
Other names: c.1049T>C, p.Met350Thr (NM_015088.3); c.565+3106T>C (NM_001024843.2); short protein forms M350T.
Identifiers: ClinVar variation 3344942 (VCV003344942.1).